The following is an entry in ClinVar:

NM_000059.4(BRCA2):c.6986_6990del (p.Pro2329fs)

Gene: BRCA2 (BRCA2 DNA repair associated; plus strand). Cytogenetic location: 13q13.1.
Variant type: Deletion.
Coding change: c.6986_6990del on transcript NM_000059.4 (MANE Select); coding-DNA positions 6986 to 6990, 5 bases deleted (CGATT; older notation c.6986_6990delCGATT).
Protein change: p.Pro2329fs; shifts the reading frame from proline 2329.
Molecular consequence: frameshift variant.
Genome position (GRCh38, 1-based): chr13:32,346,875-32,346,879, CGATT deleted. VCF-style (leftmost placement, unchanged base first): chr13-32346874-CCGATT-C. GRCh37 (hg19) VCF-style: chr13-32921011-CCGATT-C.
Other names: c.6986_6990delCGATT (NM_000059.3); short protein forms P2329fs.
Identifiers: ClinVar variation 421487 (VCV000421487.3), dbSNP rs1064795172, ClinGen allele CA16619755.

ClinVar aggregate classification (germline): Pathogenic. Review status: reviewed by expert panel (3 of 4 stars). 3 submissions from 3 submitters: Pathogenic (1). 2 of the submissions do not count toward it. Last evaluated 2017-12-15.

Conditions:
Breast-ovarian cancer, familial, susceptibility to, 2 (BROVCA2). Also called: BRCA2 Hereditary Breast and Ovarian Cancer. Identifiers: Orphanet 145, MedGen C2675520, MONDO:0012933, OMIM 612555. Disease mechanism: loss of function.
Hereditary breast ovarian cancer syndrome. Also called: Hereditary breast and ovarian cancer syndrome; BRCA1- and BRCA2-Associated Hereditary Breast and Ovarian Cancer; Hereditary breast and/or ovarian cancer syndrome; Hereditary breast and ovarian cancer; Breast and ovarian cancer; Hereditary breast and ovarian cancer syndrome (HBOC). Identifiers: Orphanet 145, MedGen C0677776, MeSH D061325, MONDO:0003582. Disease mechanism: loss of function.

Submissions (3):

Evidence-based Network for the Interpretation of Germline Mutant Alleles (ENIGMA)
Classification: Pathogenic for Breast-ovarian cancer, familial, susceptibility to, 2. Last evaluated: 2017-12-15. Review status: reviewed by expert panel. Criteria: ENIGMA BRCA1/2 Classification Criteria (2017-06-29). Collection method: curation. Allele origin: germline. Study: ENIGMA.
Comment: Variant allele predicted to encode a truncated non-functional protein.

Women's Health and Genetics/Laboratory Corporation of America, LabCorp
Classification: Likely pathogenic for Hereditary breast and ovarian cancer syndrome. Last evaluated: 2019-08-09. Review status: criteria provided, single submitter. Criteria: LabCorp Variant Classification Summary - May 2015. Collection method: clinical testing. Allele origin: germline. Not counted in ClinVar's aggregate classification.
Comment: Variant summary: BRCA2 c.6986_6990delCGATT (p.Pro2329HisfsX9) results in a premature termination codon, predicted to cause a truncation of the encoded protein or absence of the protein due to nonsense mediated decay, which are commonly known mechanisms for disease. Truncations downstream of this position have been classified as pathogenic by our laboratory. The variant was absent in 250074 control chromosomes. To our knowledge, no occurrence of c.6986_6990delCGATT in individuals affected with Hereditary Breast and Ovarian Cancer and no experimental evidence demonstrating its impact on protein function have been reported. Two clinical diagnostic laboratories have submitted clinical-significance assessments for this variant to ClinVar after 2014 without evidence for independent evaluation. Both laboratories classified the variant as pathogenic. Based on the evidence outlined above, the variant was classified as likely pathogenic.

GeneDx
Classification: Pathogenic. Last evaluated: 2017-06-26. Review status: criteria provided, single submitter. Criteria: GeneDx Variant Classification (06012015). Collection method: clinical testing. Allele origin: germline. Affected: yes. Not counted in ClinVar's aggregate classification.
Comment: This deletion of 5 nucleotides in BRCA2 is denoted c.6986_6990delCGATT at the cDNA level and p.Pro2329HisfsX9 (P2329HfsX9) at the protein level. The normal sequence, with the bases that are deleted in braces, is GAGC[CGATT]ACCT. The deletion causes a frameshift which changes a Proline to a Histidine at codon 2329, and creates a premature stop codon at position 9 of the new reading frame. Although this variant has not, to our knowledge, been reported in the literature, it is predicted to cause loss of normal protein function through either protein truncation or nonsense-mediated mRNA decay. We consider this variant to be pathogenic.